The following is an entry in ClinVar:

ClinVar aggregate classification (germline): Uncertain significance (1 of 4 stars; one submission).

Conditions:
Cystic fibrosis (CF). Also called: MUCOVISCIDOSIS. Identifiers: Orphanet 586, MedGen C0010674, MONDO:0009061, OMIM 219700. Disease mechanism: loss of function.

gnomAD v4.1: 1 of 1,613,398 alleles (0.000062%); highest among the groups gnomAD compares: East Asian, 0.0022%; no homozygotes.

Submission:

Ambry Genetics
Classification: Uncertain significance for Cystic fibrosis. Last evaluated: 2024-05-04. Review status: criteria provided, single submitter. Criteria: Ambry Variant Classification Scheme 2023. Collection method: clinical testing. Allele origin: germline.
Comment: The p.K1177T variant (also known as c.3530A>C), located in coding exon 22 of the CFTR gene, results from an A to C substitution at nucleotide position 3530. The lysine at codon 1177 is replaced by threonine, an amino acid with similar properties. This amino acid position is conserved. In addition, the in silico prediction for this alteration is inconclusive. Based on the available evidence, the clinical significance of this variant remains unclear.

NM_000492.4(CFTR):c.3530A>C (p.Lys1177Thr)

Genes: CFTR (CF transmembrane conductance regulator; plus strand), CFTR-AS2 (CFTR antisense RNA 2; minus strand). Cytogenetic location: 7q31.2.
Variant type: single nucleotide variant.
Coding change: c.3530A>C on transcript NM_000492.4 (MANE Select); coding-DNA position 3530, A replaced by C.
Protein change: p.Lys1177Thr; replaces lysine 1177 with threonine.
Molecular consequence: missense variant.
Genome position (GRCh38, 1-based): chr7:117,627,583, A>C. VCF-style: chr7-117627583-A-C. GRCh37 (hg19) VCF-style: chr7-117267637-A-C.
Other names: short protein forms K1177T.
Identifiers: ClinVar variation 3266661 (VCV003266661.1).